The following is an entry in ClinVar:

ClinVar aggregate classification (germline): Uncertain significance. Review status: criteria provided, single submitter (1 of 4 stars). 2 submissions from 2 submitters: Uncertain significance (1). 1 of the submissions does not count toward it. Last evaluated 2022-07-05.

Conditions:
Charcot-Marie-Tooth disease. Also called: Charcot-Marie-Tooth Hereditary Neuropathy; Charcot-Marie-Tooth Neuropathy. Identifiers: Orphanet 166, MedGen C0007959, MONDO:0015626.
Charcot-Marie-Tooth Neuropathy X. Identifiers: MedGen CN118851.

Allele frequency attached by ClinVar (database versions not stated): ExAC 0.00001; gnomAD exomes 0.00001; TOPMed 0.00001; gnomAD 0.00002.
gnomAD v4.1: 9 of 1,207,990 alleles (0.00075%); highest among the groups gnomAD compares: South Asian, 0.0053%; no homozygotes.

Submissions (2):

Labcorp Genetics (formerly Invitae), Labcorp
Classification: Uncertain significance for Charcot-Marie-Tooth Neuropathy X. Last evaluated: 2022-07-05. Review status: criteria provided, single submitter. Criteria: Invitae Variant Classification Sherloc (09022015). Collection method: clinical testing. Allele origin: germline.
Comment: This sequence change replaces arginine, which is basic and polar, with histidine, which is basic and polar, at codon 238 of the GJB1 protein (p.Arg238His). The frequency data for this variant in the population databases is considered unreliable, as metrics indicate poor data quality at this position in the gnomAD database. This missense change has been observed in individuals with Charcot-Marie-Tooth disease (PMID: 8990008, 11545686, 11835375). ClinVar contains an entry for this variant (Variation ID: 637202). Algorithms developed to predict the effect of missense changes on protein structure and function are either unavailable or do not agree on the potential impact of this missense change (SIFT: "Deleterious"; PolyPhen-2: "Benign"; Align-GVGD: "Class C0"). Experimental studies have shown that this missense change does not substantially affect GJB1 function (PMID: 10234007). In summary, the available evidence is currently insufficient to determine the role of this variant in disease. Therefore, it has been classified as a Variant of Uncertain Significance.

Inherited Neuropathy Consortium
Classification: Uncertain significance for Charcot-Marie-Tooth disease. Review status: no assertion criteria provided. Collection method: literature only. Allele origin: germline. Affected: yes. Not counted in ClinVar's aggregate classification.

Literature cited by the submitters: PubMed 8990008 (cited by Labcorp Genetics (formerly Invitae), Labcorp); PubMed 11545686 (cited by Labcorp Genetics (formerly Invitae), Labcorp and Inherited Neuropathy Consortium); PubMed 11835375 (cited by Labcorp Genetics (formerly Invitae), Labcorp); PubMed 10234007 (cited by Labcorp Genetics (formerly Invitae), Labcorp).

NM_000166.6(GJB1):c.713G>A (p.Arg238His)

Gene: GJB1 (gap junction protein beta 1; plus strand). Cytogenetic location: Xq13.1.
Variant type: single nucleotide variant.
Coding change: c.713G>A on transcript NM_000166.6 (MANE Select); coding-DNA position 713, G replaced by A.
Protein change: p.Arg238His; replaces arginine 238 with histidine.
Molecular consequence: missense variant.
Genome position (GRCh38, 1-based): chrX:71,224,420, G>A. VCF-style: chrX-71224420-G-A. GRCh37 (hg19) VCF-style: chrX-70444270-G-A.
Other names: c.713G>A, p.Arg238His (NM_001097642.3); short protein forms R238H.
Identifiers: ClinVar variation 637202 (VCV000637202.4), dbSNP rs776206757, ClinGen allele CA10445338.
Genomic context (GRCh38, chrX:71,224,420, plus strand): 5'-CCCGCCGAGCCCAGCGCCGCTCCAATCCACCTTCCCGCAAGGGCTCGGGCTTCGGCCACC[G>A]CCTCTCACCTGAATACAAGCAGAATGAGATCAACAAGCTGCTGAGTGAGCAGGATGGCTC-3'
Protein context (NP_000157.1, residues 228-248): PSRKGSGFGH[Arg238His]LSPEYKQNEI